The following is an entry in ClinVar:

ClinVar aggregate classification (germline): Uncertain significance (1 of 4 stars; one submission).

Conditions:
Hyperekplexia 2 (HKPX2). Identifiers: Orphanet 3197, MedGen C3553291, MONDO:0013828, OMIM 614619.

Submission:

Labcorp Genetics (formerly Invitae), Labcorp
Classification: Uncertain significance for Hyperekplexia 2. Last evaluated: 2022-06-15. Review status: criteria provided, single submitter. Criteria: Invitae Variant Classification Sherloc (09022015). Collection method: clinical testing. Allele origin: germline.
Comment: In summary, the available evidence is currently insufficient to determine the role of this variant in disease. Therefore, it has been classified as a Variant of Uncertain Significance. This sequence change replaces alanine, which is neutral and non-polar, with threonine, which is neutral and polar, at codon 469 of the GLRB protein (p.Ala469Thr). This variant is not present in population databases (gnomAD no frequency). This variant has not been reported in the literature in individuals affected with GLRB-related conditions. Advanced modeling of protein sequence and biophysical properties (such as structural, functional, and spatial information, amino acid conservation, physicochemical variation, residue mobility, and thermodynamic stability) performed at Invitae indicates that this missense variant is not expected to disrupt GLRB protein function.

NM_000824.5(GLRB):c.1405G>A (p.Ala469Thr)

Gene: GLRB (glycine receptor beta; plus strand). Cytogenetic location: 4q32.1.
Variant type: single nucleotide variant.
Coding change: c.1405G>A on transcript NM_000824.5 (MANE Select); coding-DNA position 1405, G replaced by A.
Protein change: p.Ala469Thr; replaces alanine 469 with threonine.
Molecular consequence: missense variant. On other transcripts: 3 prime UTR variant (1).
Genome position (GRCh38, 1-based): chr4:157,170,639, G>A. VCF-style: chr4-157170639-G-A. GRCh37 (hg19) VCF-style: chr4-158091791-G-A.
Other names: c.1405G>A, p.Ala469Thr (NM_001166060.2); c.*200G>A (NM_001166061.2); short protein forms A469T.
Identifiers: ClinVar variation 2007010 (VCV002007010.4), dbSNP rs2530170916, ClinGen allele CA358645316.